The following is an entry in ClinVar:

NM_182961.4(SYNE1):c.3936G>C (p.Glu1312Asp)

Gene: SYNE1 (spectrin repeat containing nuclear envelope protein 1; minus strand). Cytogenetic location: 6q25.2.
Variant type: single nucleotide variant.
Coding change: c.3936G>C on transcript NM_182961.4 (MANE Select); coding-DNA position 3936, G replaced by C.
Protein change: p.Glu1312Asp; replaces glutamic acid 1312 with aspartic acid.
Molecular consequence: missense variant.
Genome position (GRCh38, 1-based): chr6:152,442,147, C>G on the plus strand (G>C on the coding strand, the complement: SYNE1 is on the minus strand). VCF-style: chr6-152442147-C-G. GRCh37 (hg19) VCF-style: chr6-152763282-C-G.
Other names: c.3957G>C, p.Glu1319Asp (NM_033071.5); short protein forms E1312D, E1319D.
Identifiers: ClinVar variation 355927 (VCV000355927.14), dbSNP rs200763530, ClinGen allele CA4058710.
Genomic context (GRCh38, chr6:152,442,147, plus strand): 5'-TTCCTGCCTCTCCCGGCTGCGCTCCAGGCCATCCAGTGTGCTCTCCAGCTTCCGCAGCTC[C>G]TCGTGGCCTCGGTCAGGCAGCCCCCCTTCTCCCTGCTGCGCCTGCGCGATCTGCTGCTGC-3'
Protein context (NP_892006.3, residues 1302-1322): GEGGLPDRGH[Glu1312Asp]ELRKLESTLD

ClinVar aggregate classification (germline): Conflicting classifications of pathogenicity. Review status: criteria provided, conflicting classifications (1 of 4 stars). 5 submissions from 4 submitters: Uncertain significance (2); Benign (1); Likely benign (1). 1 of the submissions does not count toward it. Last evaluated 2023-03-18.

Conditions:
SYNE1-related disorder. Also called: SYNE1-related disorders; SYNE1-related disease; SYNE1-related condition.
Autosomal recessive ataxia, Beauce type. Also called: SYNE1 Deficiency; SYNE1-Related Autosomal Recessive Cerebellar Ataxia; Spinocerebellar ataxia, autosomal recessive 8; ATAXIA, RECESSIVE, OF BEAUCE. Identifiers: Orphanet 88644, MedGen C1853116, MONDO:0012549, OMIM 610743.
Emery-Dreifuss muscular dystrophy 4, autosomal dominant (EDMD4). Also called: EMERY-DREIFUSS MUSCULAR DYSTROPHY 4 WITH VARIABLE FEATURES. Identifiers: Orphanet 261, MedGen C2751807, MONDO:0013071, OMIM 612998.

Allele frequency attached by ClinVar (database versions not stated): gnomAD exomes 0.00002 and 0.00012; gnomAD 0.00004 and 0.00006; TOPMed 0.00005; ExAC 0.00011; 1000 Genomes Project 30x 0.00031; 1000 Genomes Project 0.00040.
gnomAD v4.1: 42 of 1,613,858 alleles (0.0026%); highest among the groups gnomAD compares: East Asian, 0.089%; no homozygotes.

Submissions (5):

Labcorp Genetics (formerly Invitae), Labcorp
Classification: Uncertain significance for Emery-Dreifuss muscular dystrophy 4, autosomal dominant; Autosomal recessive ataxia, Beauce type. Last evaluated: 2023-03-18. Review status: criteria provided, single submitter. Criteria: Invitae Variant Classification Sherloc (09022015). Collection method: clinical testing. Allele origin: germline.
Comment: In summary, the available evidence is currently insufficient to determine the role of this variant in disease. Therefore, it has been classified as a Variant of Uncertain Significance. Algorithms developed to predict the effect of missense changes on protein structure and function output the following: SIFT: "Not Available"; PolyPhen-2: "Benign"; Align-GVGD: "Not Available". The aspartic acid amino acid residue is found in multiple mammalian species, which suggests that this missense change does not adversely affect protein function. ClinVar contains an entry for this variant (Variation ID: 355927). This variant has not been reported in the literature in individuals affected with SYNE1-related conditions. This variant is present in population databases (rs200763530, gnomAD 0.2%). This sequence change replaces glutamic acid, which is acidic and polar, with aspartic acid, which is acidic and polar, at codon 1319 of the SYNE1 protein (p.Glu1319Asp).

Illumina Laboratory Services, Illumina
Classification: Benign for Emery-Dreifuss muscular dystrophy 4, autosomal dominant. Last evaluated: 2018-01-12. Review status: criteria provided, single submitter. Criteria: ICSL Variant Classification Criteria 13 December 2019. Collection method: clinical testing. Allele origin: germline.
Comment: This variant was observed in the ICSL laboratory as part of a predisposition screen in an ostensibly healthy population. It had not been previously curated by ICSL or reported in the Human Gene Mutation Database (HGMD: prior to June 1st, 2018), and was therefore a candidate for classification through an automated scoring system. Utilizing variant allele frequency, disease prevalence and penetrance estimates, and inheritance mode, an automated score was calculated to assess if this variant is too frequent to cause the disease. Based on the score and internal cut-off values, a variant classified as benign is not then subjected to further curation. The score for this variant resulted in a classification of benign for this disease.

Illumina Laboratory Services, Illumina
Classification: Uncertain significance for Autosomal recessive ataxia, Beauce type. Last evaluated: 2018-01-12. Review status: criteria provided, single submitter. Criteria: ICSL Variant Classification Criteria 13 December 2019. Collection method: clinical testing. Allele origin: germline.

GeneDx
Classification: Likely benign. Last evaluated: 2016-12-27. Review status: criteria provided, single submitter. Criteria: GeneDx Variant Classification (06012015). Collection method: clinical testing. Allele origin: germline. Affected: yes.
Comment: This variant is considered likely benign or benign based on one or more of the following criteria: it is a conservative change, it occurs at a poorly conserved position in the protein, it is predicted to be benign by multiple in silico algorithms, and/or has population frequency not consistent with disease.

PreventionGenetics, part of Exact Sciences
Classification: Likely benign for SYNE1-related condition. Last evaluated: 2022-09-28. Review status: no assertion criteria provided. Collection method: clinical testing. Allele origin: germline. Not counted in ClinVar's aggregate classification.
Comment: This variant is classified as likely benign based on ACMG/AMP sequence variant interpretation guidelines (Richards et al. 2015 PMID: 25741868, with internal and published modifications).